The following is an entry in ClinVar:

ClinVar aggregate classification (germline): Likely benign. Review status: criteria provided, multiple submitters, no conflicts (2 of 4 stars). 3 submissions from 3 submitters: Likely benign (3). Last evaluated 2026-05-08.

Conditions:
SGPL1-related disorder. Also called: SGPL1-related condition. Identifiers: MedGen CN380158.

Allele frequency attached by ClinVar (database versions not stated): gnomAD exomes 0.00001 and 0.00002.
gnomAD v4.1: 22 of 1,546,058 alleles (0.0014%); highest among the groups gnomAD compares: Non-Finnish European, 0.0018%; no homozygotes.

Submissions (3):

Women's Health and Genetics/Laboratory Corporation of America, LabCorp
Classification: Likely benign. Last evaluated: 2026-05-08. Review status: criteria provided, single submitter. Criteria: LabCorp Variant Classification Summary - May 2015. Collection method: clinical testing. Allele origin: germline.

Labcorp Genetics (formerly Invitae), Labcorp
Classification: Likely benign. Last evaluated: 2025-10-02. Review status: criteria provided, single submitter. Criteria: Invitae Variant Classification Sherloc (09022015). Collection method: clinical testing. Allele origin: germline.

PreventionGenetics, part of Exact Sciences
Classification: Likely benign for SGPL1-related condition. Last evaluated: 2025-09-27. Review status: criteria provided, single submitter. Criteria: ACMG Guidelines, 2015. Collection method: clinical testing. Allele origin: germline.
Comment: This variant is classified as likely benign based on ACMG/AMP sequence variant interpretation guidelines (Richards et al. 2015 PMID: 25741868, with internal and published modifications).

NM_003901.4(SGPL1):c.1299-10T>G

Gene: SGPL1 (sphingosine-1-phosphate lyase 1; plus strand). Cytogenetic location: 10q22.1.
Variant type: single nucleotide variant.
Coding change: c.1299-10T>G on transcript NM_003901.4 (MANE Select); 10 bases into the intron before coding-DNA position 1299, T replaced by G.
Molecular consequence: intron variant.
Genome position (GRCh38, 1-based): chr10:70,875,392, T>G. VCF-style: chr10-70875392-T-G. GRCh37 (hg19) VCF-style: chr10-72635149-T-G.
Other names: c.1299-10T>G (NM_003901.3).
Identifiers: ClinVar variation 1638968 (VCV001638968.10), dbSNP rs1187103079, ClinGen allele CA594284799.
Genomic context (GRCh38, chr10:70,875,392, plus strand): 5'-AGATAGTGACCAGGGGATTGTATGTGACTGAATTTACTTTTTCTTCCTTCATTTATTTTT[T>G]TGTTTTAAGACTGGAAAATATCAAAGGCATCTTTGTTTTTGGGAATCCCCAATTGTCAGT-3'